The following is an entry in ClinVar:

NM_001290043.2(TAP2):c.1867C>T (p.Arg623Ter)

Gene: TAP2 (transporter 2, ATP binding cassette subfamily B member; minus strand). Cytogenetic location: 6p21.32.
Variant type: single nucleotide variant.
Coding change: c.1867C>T on transcript NM_001290043.2 (MANE Select); coding-DNA position 1867, C replaced by T.
Protein change: p.Arg623Ter; replaces arginine 623 with a stop codon.
Molecular consequence: nonsense.
Genome position (GRCh38, 1-based): chr6:32,829,465, G>A on the plus strand (C>T on the coding strand, the complement: TAP2 is on the minus strand). VCF-style: chr6-32829465-G-A. GRCh37 (hg19) VCF-style: chr6-32797242-G-A.
Other names: c.1867C>T, p.Arg623Ter (NM_000544.3, NM_018833.3); short protein forms R623*.
Identifiers: ClinVar variation 2734845 (VCV002734845.3), dbSNP rs771932254, ClinGen allele CA3745778.

ClinVar aggregate classification (germline): Pathogenic (1 of 4 stars; one submission).

Conditions:
MHC class I deficiency. Identifiers: Orphanet 34592, MedGen C6024714, MONDO:0011476.

Allele frequency attached by ClinVar (database versions not stated): TOPMed below 0.00001; gnomAD exomes 0.00001; ExAC 0.00002.
gnomAD v4.1: 12 of 1,613,866 alleles (0.00074%); highest among the groups gnomAD compares: South Asian, 0.0033%; no homozygotes.

Submission:

Labcorp Genetics (formerly Invitae), Labcorp
Classification: Pathogenic for MHC class I deficiency 1. Last evaluated: 2025-05-27. Review status: criteria provided, single submitter. Criteria: Invitae Variant Classification Sherloc (09022015). Collection method: clinical testing. Allele origin: germline.
Comment: This sequence change creates a premature translational stop signal (p.Arg623*) in the TAP2 gene. It is expected to result in an absent or disrupted protein product. Loss-of-function variants in TAP2 are known to be pathogenic (PMID: 7517574, 11529920, 12067308, 23662797). This variant is present in population databases (rs771932254, gnomAD 0.01%). This variant has not been reported in the literature in individuals affected with TAP2-related conditions. ClinVar contains an entry for this variant (Variation ID: 2734845). For these reasons, this variant has been classified as Pathogenic.

Literature cited by the submitters: PubMed 7517574; PubMed 11529920; PubMed 12067308; PubMed 23662797.